The following is an entry in ClinVar:

ClinVar aggregate classification (germline): Uncertain significance (1 of 4 stars; one submission).

Allele frequency attached by ClinVar (database versions not stated): gnomAD exomes below 0.00001.
gnomAD v4.1: 2 of 1,614,018 alleles (0.00012%); highest among the groups gnomAD compares: Non-Finnish European, 0.00017%; no homozygotes.

Submission:

Labcorp Genetics (formerly Invitae), Labcorp
Classification: Uncertain significance. Last evaluated: 2023-05-14. Review status: criteria provided, single submitter. Criteria: Invitae Variant Classification Sherloc (09022015). Collection method: clinical testing. Allele origin: germline.
Comment: This sequence change replaces lysine, which is basic and polar, with asparagine, which is neutral and polar, at codon 1174 of the POLE protein (p.Lys1174Asn). This variant is not present in population databases (gnomAD no frequency). This variant has not been reported in the literature in individuals affected with POLE-related conditions. ClinVar contains an entry for this variant (Variation ID: 1006319). Advanced modeling of protein sequence and biophysical properties (such as structural, functional, and spatial information, amino acid conservation, physicochemical variation, residue mobility, and thermodynamic stability) performed at Invitae indicates that this missense variant is not expected to disrupt POLE protein function. In summary, the available evidence is currently insufficient to determine the role of this variant in disease. Therefore, it has been classified as a Variant of Uncertain Significance.

NM_006231.4(POLE):c.3522G>T (p.Lys1174Asn)

Gene: POLE (DNA polymerase epsilon, catalytic subunit; minus strand). Cytogenetic location: 12q24.33.
Variant type: single nucleotide variant.
Coding change: c.3522G>T on transcript NM_006231.4 (MANE Select); coding-DNA position 3522, G replaced by T.
Protein change: p.Lys1174Asn; replaces lysine 1174 with asparagine.
Molecular consequence: missense variant.
Genome position (GRCh38, 1-based): chr12:132,657,196, C>A on the plus strand (G>T on the coding strand, the complement: POLE is on the minus strand). VCF-style: chr12-132657196-C-A. GRCh37 (hg19) VCF-style: chr12-133233782-C-A.
Other names: short protein forms K1174N.
Identifiers: ClinVar variation 1006319 (VCV001006319.9), dbSNP rs2042562576, ClinGen allele CA387388541.
Genomic context (GRCh38, chr12:132,657,196, plus strand): 5'-CTGTCTCCTGCCCTCCAGGGTGAAGAGCTCACTGATCTTCTTCTGCTTGTAGACATCATT[C>A]TTCTCCAGCAGTTTTTTGTGCAGCCAGTCGGGGTGTTTGACACGTGGCACTGGGTTCTTT-3'
Protein context (NP_006222.2, residues 1164-1184): PDWLHKKLLE[Lys1174Asn]NDVYKQKKIS